The following is an entry in ClinVar:

NM_014727.3(KMT2B):c.4186G>A (p.Ala1396Thr)

Gene: KMT2B (lysine methyltransferase 2B; plus strand). Cytogenetic location: 19q13.12.
Variant type: single nucleotide variant.
Coding change: c.4186G>A on transcript NM_014727.3 (MANE Select); coding-DNA position 4186, G replaced by A.
Protein change: p.Ala1396Thr; replaces alanine 1396 with threonine.
Molecular consequence: missense variant.
Genome position (GRCh38, 1-based): chr19:35,727,506, G>A. VCF-style: chr19-35727506-G-A. GRCh37 (hg19) VCF-style: chr19-36218407-G-A.
Other names: short protein forms A1396T.
Identifiers: ClinVar variation 4810850 (VCV004810850.1).

ClinVar aggregate classification (germline): Uncertain significance (1 of 4 stars; one submission).

Submission:

Labcorp Genetics (formerly Invitae), Labcorp
Classification: Uncertain significance. Last evaluated: 2026-01-19. Review status: criteria provided, single submitter. Criteria: Invitae Variant Classification Sherloc (09022015). Collection method: clinical testing. Allele origin: germline.
Comment: This sequence change replaces alanine, which is neutral and non-polar, with threonine, which is neutral and polar, at codon 1396 of the KMT2B protein (p.Ala1396Thr). This variant is not present in population databases (gnomAD no frequency). This variant has not been reported in the literature in individuals affected with KMT2B-related conditions. Invitae Evidence Modeling of protein sequence and biophysical properties (such as structural, functional, and spatial information, amino acid conservation, physicochemical variation, residue mobility, and thermodynamic stability) indicates that this missense variant is not expected to disrupt KMT2B protein function with a negative predictive value of 95%. In summary, the available evidence is currently insufficient to determine the role of this variant in disease. Therefore, it has been classified as a Variant of Uncertain Significance.